The following is an entry in ClinVar:

NM_145649.5(GCNT2):c.1154G>A (p.Arg385His)

Gene: GCNT2 (glucosaminyl (N-acetyl) transferase 2 (I blood group); plus strand). Cytogenetic location: 6p24.2.
Variant type: single nucleotide variant.
Coding change: c.1154G>A on transcript NM_145649.5 (MANE Select); coding-DNA position 1154, G replaced by A.
Protein change: p.Arg385His; replaces arginine 385 with histidine.
Molecular consequence: missense variant.
Genome position (GRCh38, 1-based): chr6:10,626,552, G>A. VCF-style: chr6-10626552-G-A. GRCh37 (hg19) VCF-style: chr6-10626785-G-A.
Other names: c.1154G>A, p.Arg385His (NM_001374747.1, NM_145655.4); c.1148G>A, p.Arg383His (NM_001491.3); short protein forms R383H, R385H.
Identifiers: ClinVar variation 9129 (VCV000009129.7), dbSNP rs55940927, ClinGen allele CA120122.

ClinVar aggregate classification (germline): Conflicting classifications of pathogenicity. Review status: criteria provided, conflicting classifications (1 of 4 stars). 3 submissions from 3 submitters: Likely pathogenic (1); Uncertain significance (1). 1 of the submissions does not count toward it. Last evaluated 2022-05-22.

Conditions:
Cataract 13 with adult I phenotype. Identifiers: Orphanet 91492, MedGen C3805373, MONDO:0007289, OMIM 116700.

Allele frequency attached by ClinVar (database versions not stated): gnomAD exomes 0.00001 and 0.00006; gnomAD 0.00002; TOPMed 0.00002; ExAC 0.00004.
gnomAD v4.1: 26 of 1,613,644 alleles (0.0016%); highest among the groups gnomAD compares: East Asian, 0.025%; no homozygotes.

Submissions (3):

3billion
Classification: Uncertain significance for Cataract 13 with adult I phenotype. Last evaluated: 2022-05-22. Review status: criteria provided, single submitter. Criteria: ACMG Guidelines, 2015. Collection method: clinical testing. Allele origin: germline. Affected: yes. Observed: 1 homozygote.
Comment: The variant is observed at an extremely low frequency in the gnomAD v2.1.1 dataset (total allele frequency: 0.006%). Missense changes are a common disease-causing mechanism. In silico tool predictions suggest no damaging effect of the variant on gene or gene product (REVEL: 0.25; 3Cnet: 0.04). Same nucleotide change resulting in same amino acid change has been previously reported to be associated with GCNT2 related disorder (ClinVar ID: VCV000009129 / PMID: 29914532). A different missense change at the same codon (p.Arg385Cys) has been reported to be associated with GCNT2 related disorder (PMID: 29770612). However the evidence of pathogenicity is insufficient at this time. Therefore, this variant is classified as uncertain significanceaccording to the recommendation of ACMG/AMP guideline.

Labcorp Genetics (formerly Invitae), Labcorp
Classification: Likely pathogenic for Cataract 13 with adult I phenotype. Last evaluated: 2021-12-19. Review status: criteria provided, single submitter. Criteria: Invitae Variant Classification Sherloc (09022015). Collection method: clinical testing. Allele origin: germline.
Comment: ClinVar contains an entry for this variant (Variation ID: 9129). In summary, the currently available evidence indicates that the variant is pathogenic, but additional data are needed to prove that conclusively. Therefore, this variant has been classified as Likely Pathogenic. This variant disrupts the p.Arg383 amino acid residue in GCNT2. Other variant(s) that disrupt this residue have been observed in individuals with GCNT2-related conditions (PMID: 29770612, 29914532), which suggests that this may be a clinically significant amino acid residue. Experimental studies have shown that this missense change affects GCNT2 function (PMID: 11739194, 12468428). Algorithms developed to predict the effect of missense changes on protein structure and function are either unavailable or do not agree on the potential impact of this missense change (SIFT: "Deleterious"; PolyPhen-2: "Benign"; Align-GVGD: "Class C0"). This variant is also known as c.1154G>A (p.Arg385His). This missense change has been observed in individuals with congenital cataract with adult i phenotype (PMID: 29914532). It has also been observed to segregate with disease in related individuals. This variant is present in population databases (rs55940927, gnomAD 0.06%). This sequence change replaces arginine, which is basic and polar, with histidine, which is basic and polar, at codon 383 of the GCNT2 protein (p.Arg383His).

OMIM
Classification: Pathogenic for CATARACT 13 WITH ADULT i PHENOTYPE. Last evaluated: 2001-12-15. Review status: no assertion criteria provided. Collection method: literature only. Allele origin: germline. Not counted in ClinVar's aggregate classification.

Literature cited by the submitters: PubMed 29770612 (cited by 3billion and Labcorp Genetics (formerly Invitae), Labcorp); PubMed 29914532 (cited by 3billion and Labcorp Genetics (formerly Invitae), Labcorp); PubMed 11739194 (cited by Labcorp Genetics (formerly Invitae), Labcorp and OMIM); PubMed 12468428 (cited by Labcorp Genetics (formerly Invitae), Labcorp).